The following is an entry in ClinVar:

NM_000540.3(RYR1):c.7316A>G (p.Glu2439Gly)

Gene: RYR1 (ryanodine receptor 1; plus strand). Cytogenetic location: 19q13.2.
Variant type: single nucleotide variant.
Coding change: c.7316A>G on transcript NM_000540.3 (MANE Select); coding-DNA position 7316, A replaced by G.
Protein change: p.Glu2439Gly; replaces glutamic acid 2439 with glycine.
Molecular consequence: missense variant.
Genome position (GRCh38, 1-based): chr19:38,500,009, A>G. VCF-style: chr19-38500009-A-G. GRCh37 (hg19) VCF-style: chr19-38990649-A-G.
Other names: c.7316A>G, p.Glu2439Gly (NM_001042723.2); short protein forms E2439G.
Identifiers: ClinVar variation 2628590 (VCV002628590.1), dbSNP rs2514316034, ClinGen allele CA405669662.

ClinVar aggregate classification (germline): Uncertain significance (1 of 4 stars; one submission).

Conditions:
RYR1-related disorder. Also called: RYR1-related condition; RYR1-related disorders. Identifiers: MedGen CN239331.

Submission:

PreventionGenetics, part of Exact Sciences
Classification: Uncertain significance for RYR1-related condition. Last evaluated: 2023-02-27. Review status: criteria provided, single submitter. Criteria: ACMG Guidelines, 2015. Collection method: clinical testing. Allele origin: germline.
Comment: The RYR1 c.7316A>G variant is predicted to result in the amino acid substitution p.Glu2439Gly. To our knowledge, this variant has not been reported in the literature or in a large population database, indicating this variant is rare. At this time, the clinical significance of this variant is uncertain due to the absence of conclusive functional and genetic evidence.